The following is an entry in ClinVar:

NM_000138.5(FBN1):c.5839T>G (p.Cys1947Gly)

Gene: FBN1 (fibrillin 1; minus strand). Cytogenetic location: 15q21.1.
Variant type: single nucleotide variant.
Coding change: c.5839T>G on transcript NM_000138.5 (MANE Select); coding-DNA position 5839, T replaced by G.
Protein change: p.Cys1947Gly; replaces cysteine 1947 with glycine.
Molecular consequence: missense variant.
Genome position (GRCh38, 1-based): chr15:48,445,454, A>C on the plus strand (T>G on the coding strand, the complement: FBN1 is on the minus strand). VCF-style: chr15-48445454-A-C. GRCh37 (hg19) VCF-style: chr15-48737651-A-C.
Other names: short protein forms C1947G.
Identifiers: ClinVar variation 854432 (VCV000854432.9), dbSNP rs1131691938, ClinGen allele CA392340093.

ClinVar aggregate classification (germline): Pathogenic (1 of 4 stars; one submission).

Conditions:
Familial thoracic aortic aneurysm and aortic dissection (TAAD). Also called: Thoracic aortic aneurysms and dissections. Identifiers: Orphanet 91387, MedGen C4707243, MONDO:0019625.
Marfan syndrome (MFS). Also called: FBN1-Related Marfan Syndrome; Marfan's syndrome; MARFAN SYNDROME, TYPE I; Marfan syndrome type 1; Marfan syndrome, classic. Identifiers: Orphanet 284963, Orphanet 558, MedGen C0024796, MONDO:0007947, OMIM 154700.

Submission:

Labcorp Genetics (formerly Invitae), Labcorp
Classification: Pathogenic for Marfan syndrome; Familial thoracic aortic aneurysm and aortic dissection. Last evaluated: 2025-07-09. Review status: criteria provided, single submitter. Criteria: Invitae Variant Classification Sherloc (09022015). Collection method: clinical testing. Allele origin: germline.
Comment: This sequence change replaces cysteine, which is neutral and slightly polar, with glycine, which is neutral and non-polar, at codon 1947 of the FBN1 protein (p.Cys1947Gly). This variant is not present in population databases (gnomAD no frequency). This missense change has been observed in individual(s) with clinical features of FBN1-related conditions (internal data). ClinVar contains an entry for this variant (Variation ID: 854432). Invitae Evidence Modeling of protein sequence and biophysical properties (such as structural, functional, and spatial information, amino acid conservation, physicochemical variation, residue mobility, and thermodynamic stability) indicates that this missense variant is expected to disrupt FBN1 protein function with a positive predictive value of 95%. This variant affects a cysteine residue in the EGF-like, TGFBP or hybrid motif domains of FBN1. Cysteine residues are believed to be involved in intramolecular disulfide bridges and have been shown to be important for FBN1 protein structure (PMID: 16905551, 19349279). In addition, missense substitutions affecting cysteine residues within these domains are significantly overrepresented among patients with Marfan syndrome (PMID: 16571647, 17701892). This variant disrupts the p.Cys1947 amino acid residue in FBN1. Other variant(s) that disrupt this residue have been observed in individuals with FBN1-related conditions (PMID: 24793577; internal data), which suggests that this may be a clinically significant amino acid residue. For these reasons, this variant has been classified as Pathogenic.

Literature cited by the submitters: PubMed 16905551; PubMed 19349279; PubMed 16571647; PubMed 17701892; PubMed 24793577.